The following is an entry in ClinVar:

ClinVar aggregate classification (germline): Uncertain significance (1 of 4 stars; one submission).

gnomAD v4.1: 66 of 1,588,766 alleles (0.0042%); highest among the groups gnomAD compares: Admixed American, 0.1%; 3 homozygotes.

Submission:

Labcorp Genetics (formerly Invitae), Labcorp
Classification: Uncertain significance. Last evaluated: 2024-03-15. Review status: criteria provided, single submitter. Criteria: Invitae Variant Classification Sherloc (09022015). Collection method: clinical testing. Allele origin: germline.
Comment: This sequence change replaces glutamic acid, which is acidic and polar, with alanine, which is neutral and non-polar, at codon 451 of the IFT88 protein (p.Glu451Ala). This variant is present in population databases (rs547326608, gnomAD 0.1%), and has an allele count higher than expected for a pathogenic variant. This variant has not been reported in the literature in individuals affected with IFT88-related conditions. ClinVar contains an entry for this variant (Variation ID: 2075701). Experimental studies and prediction algorithms are not available or were not evaluated, and the functional significance of this variant is currently unknown. In summary, the available evidence is currently insufficient to determine the role of this variant in disease. Therefore, it has been classified as a Variant of Uncertain Significance.

NM_006531.5(IFT88):c.1325A>C (p.Glu442Ala)

Gene: IFT88 (intraflagellar transport 88; plus strand). Cytogenetic location: 13q12.11.
Variant type: single nucleotide variant.
Coding change: c.1325A>C on transcript NM_006531.5 (MANE Select); coding-DNA position 1325, A replaced by C.
Protein change: p.Glu442Ala; replaces glutamic acid 442 with alanine.
Molecular consequence: missense variant. On other transcripts: non-coding transcript variant (5).
Genome position (GRCh38, 1-based): chr13:20,631,041, A>C. VCF-style: chr13-20631041-A-C. GRCh37 (hg19) VCF-style: chr13-21205180-A-C.
Other names: c.1268A>C, p.Glu423Ala (NM_001318491.2, NM_001353575.2); c.1352A>C, p.Glu451Ala (NM_001318493.2, NM_001353565.2, NM_001353566.2 and 2 more transcripts); c.1325A>C, p.Glu442Ala (NM_001353568.2, NM_001353572.2); c.1250A>C, p.Glu417Ala (NM_001353569.2, NM_001353570.2, NM_001353576.2 and 1 more transcripts); c.1223A>C, p.Glu408Ala (NM_001353571.2, NM_001353578.2); c.1181A>C, p.Glu394Ala (NM_001353573.2); c.1166A>C, p.Glu389Ala (NM_001353574.2); c.692A>C, p.Glu231Ala (NM_001353579.2); short protein forms E389A, E417A, E408A, E231A, E442A, E394A, E423A, E451A.
Identifiers: ClinVar variation 2075701 (VCV002075701.4), dbSNP rs547326608, ClinGen allele CA6905377.
Genomic context (GRCh38, chr13:20,631,041, plus strand): 5'-ACAGTGGTAGTAACCTTCAGATATTCCATTTCTAGGCTGTAGAGATCTTAAAAGTGTTGG[A>C]AAAAAAGGACAGTAGAGTGAAAAGTGCAGCTGCAACCAATCTCTCAGCCCTGTATTATAT-3'
Protein context (NP_006522.2, residues 432-452): NQAVEILKVL[Glu442Ala]KKDSRVKSAA